The following is an entry in ClinVar:

ClinVar aggregate classification (germline): Uncertain significance. Review status: criteria provided, multiple submitters, no conflicts (2 of 4 stars). 3 submissions from 3 submitters: Uncertain significance (3). Last evaluated 2025-12-08.

Conditions:
Inborn genetic diseases. Identifiers: MedGen C0950123, MeSH D030342.

Allele frequency attached by ClinVar (database versions not stated): gnomAD 0.00002 and 0.00003; ExAC 0.00003; gnomAD exomes 0.00003 and 0.00006; TOPMed 0.00005; ESP Exome Variant Server 0.00008.
gnomAD v4.1: 43 of 1,613,988 alleles (0.0027%); highest among the groups gnomAD compares: Middle Eastern, 0.033%; no homozygotes.

Submissions (3):

Labcorp Genetics (formerly Invitae), Labcorp
Classification: Uncertain significance. Last evaluated: 2025-12-08. Review status: criteria provided, single submitter. Criteria: Invitae Variant Classification Sherloc (09022015). Collection method: clinical testing. Allele origin: germline.
Comment: This sequence change replaces arginine, which is basic and polar, with threonine, which is neutral and polar, at codon 1542 of the DNAH9 protein (p.Arg1542Thr). This variant is present in population databases (rs368317044, gnomAD 0.01%). This variant has not been reported in the literature in individuals affected with DNAH9-related conditions. ClinVar contains an entry for this variant (Variation ID: 1509366). Invitae Evidence Modeling of protein sequence and biophysical properties (such as structural, functional, and spatial information, amino acid conservation, physicochemical variation, residue mobility, and thermodynamic stability) indicates that this missense variant is not expected to disrupt DNAH9 protein function with a negative predictive value of 80%. In summary, the available evidence is currently insufficient to determine the role of this variant in disease. Therefore, it has been classified as a Variant of Uncertain Significance.

Ambry Genetics
Classification: Uncertain significance for Inborn genetic diseases. Last evaluated: 2025-03-09. Review status: criteria provided, single submitter. Criteria: Ambry Variant Classification Scheme 2023. Collection method: clinical testing. Allele origin: germline.

Breakthrough Genomics
Classification: Uncertain significance. Review status: criteria provided, single submitter. Criteria: ACMG Guidelines, 2015. Collection method: not provided. Allele origin: germline. Inheritance: Autosomal recessive inheritance. Affected: yes.

NM_001372.4(DNAH9):c.4625G>C (p.Arg1542Thr)

Gene: DNAH9 (dynein axonemal heavy chain 9; plus strand). Cytogenetic location: 17p12.
Variant type: single nucleotide variant.
Coding change: c.4625G>C on transcript NM_001372.4 (MANE Select); coding-DNA position 4625, G replaced by C.
Protein change: p.Arg1542Thr; replaces arginine 1542 with threonine.
Molecular consequence: missense variant.
Genome position (GRCh38, 1-based): chr17:11,693,878, G>C. VCF-style: chr17-11693878-G-C. GRCh37 (hg19) VCF-style: chr17-11597195-G-C.
Other names: c.4625G>C (NM_001372.3); short protein forms R1542T.
Identifiers: ClinVar variation 1509366 (VCV001509366.10), dbSNP rs368317044, ClinGen allele CA8395726.